The following is an entry in ClinVar:

ClinVar aggregate classification (germline): Likely benign. Review status: criteria provided, multiple submitters, no conflicts (2 of 4 stars). 3 submissions from 3 submitters: Likely benign (2). 1 of the submissions does not count toward it. Last evaluated 2024-04-16.

Conditions:
Congenital myasthenic syndrome 11. Also called: MYASTHENIC SYNDROME, CONGENITAL, Ie; Myasthenic syndrome, congenital, 11, associated with acetylcholine receptor deficiency. Identifiers: Orphanet 590, MedGen C4225367, MONDO:0014588, OMIM 616326.
Fetal akinesia deformation sequence 1 (FADS1). Also called: Pena-Shokeir syndrome type I; Fetal akinesia sequence. Identifiers: Orphanet 994, MedGen C1276035, MONDO:0100101, OMIM 208150, HP:0001989.
RAPSN-related disorder. Also called: RAPSN-related condition; RAPSN-related disorders. Identifiers: MedGen CN239397.

Allele frequency attached by ClinVar (database versions not stated): TOPMed 0.00003; gnomAD 0.00004 and 0.00007; ESP Exome Variant Server 0.00008; 1000 Genomes Project 30x 0.00016; 1000 Genomes Project 0.00020; ExAC 0.00022.
gnomAD v4.1: 123 of 1,612,868 alleles (0.0076%); highest among the groups gnomAD compares: East Asian, 0.098%; no homozygotes.

Submissions (3):

Labcorp Genetics (formerly Invitae), Labcorp
Classification: Likely benign for Congenital myasthenic syndrome 11; Fetal akinesia deformation sequence 1. Last evaluated: 2024-04-16. Review status: criteria provided, single submitter. Criteria: Invitae Variant Classification Sherloc (09022015). Collection method: clinical testing. Allele origin: germline.

Athena Diagnostics
Classification: Likely benign. Last evaluated: 2017-06-30. Review status: criteria provided, single submitter. Criteria: Athena Diagnostics Criteria. Collection method: clinical testing. Allele origin: germline.

PreventionGenetics, part of Exact Sciences
Classification: Likely benign for RAPSN-related condition. Last evaluated: 2019-10-21. Review status: no assertion criteria provided. Collection method: clinical testing. Allele origin: germline. Not counted in ClinVar's aggregate classification.
Comment: This variant is classified as likely benign based on ACMG/AMP sequence variant interpretation guidelines (Richards et al. 2015 PMID: 25741868, with internal and published modifications).

NM_005055.5(RAPSN):c.216G>A (p.Thr72=)

Gene: RAPSN (receptor associated protein of the synapse; minus strand). Cytogenetic location: 11p11.2.
Variant type: single nucleotide variant.
Coding change: c.216G>A on transcript NM_005055.5 (MANE Select); coding-DNA position 216, G replaced by A.
Protein change: p.Thr72=; no amino-acid change (threonine 72 retained).
Molecular consequence: synonymous variant.
Genome position (GRCh38, 1-based): chr11:47,448,127, C>T on the plus strand (G>A on the coding strand, the complement: RAPSN is on the minus strand). VCF-style: chr11-47448127-C-T. GRCh37 (hg19) VCF-style: chr11-47469679-C-T.
Other names: c.216G>A, p.Thr72= (NM_032645.5).
Identifiers: ClinVar variation 448158 (VCV000448158.13), dbSNP rs141877523, ClinGen allele CA5976781.